The following is an entry in ClinVar:

NM_001267550.2(TTN):c.95016T>C (p.Thr31672=)

Genes: TTN (titin; minus strand), TTN-AS1 (TTN antisense RNA 1; plus strand). Cytogenetic location: 2q31.2.
Variant type: single nucleotide variant.
Coding change: c.95016T>C on transcript NM_001267550.2 (MANE Select); coding-DNA position 95016, T replaced by C.
Protein change: p.Thr31672=; no amino-acid change (threonine 31672 retained).
Molecular consequence: synonymous variant.
Genome position (GRCh38, 1-based): chr2:178,546,315, A>G on the plus strand (T>C on the coding strand, the complement: TTN is on the minus strand). VCF-style: chr2-178546315-A-G. GRCh37 (hg19) VCF-style: chr2-179411042-A-G.
Other names: c.90093T>C, p.Thr30031= (NM_001256850.1); c.67821T>C, p.Thr22607= (NM_003319.4); c.87312T>C, p.Thr29104= (NM_133378.4); c.68196T>C, p.Thr22732= (NM_133432.3); c.68397T>C, p.Thr22799= (NM_133437.4).
Identifiers: ClinVar variation 332724 (VCV000332724.19), dbSNP rs367549998, ClinGen allele CA1987030.
Genomic context (GRCh38, chr2:178,546,315, plus strand): 5'-ATTTTTCACTGTTAAAGTGTATTTTCCACTGTCACTTCTGTCACAGAACTTGATCACAGC[A>G]GTTGCTCGTTTGCCAGTATACTGCAAAGAGACTTTTTCACAGAGATCTAGCTCCTTGTCT-3'
Protein context (NP_001254479.2, residues 31662-31682): VSLQYTGKRA[Thr31672=]AVIKFCDRSD

ClinVar aggregate classification (germline): Conflicting classifications of pathogenicity. Review status: criteria provided, conflicting classifications (1 of 4 stars). 8 submissions from 4 submitters: Uncertain significance (3); Benign (2); Likely benign (2). 1 of the submissions does not count toward it. Last evaluated 2026-01-13.

Conditions:
Cardiovascular phenotype. Identifiers: MedGen CN230736.
TTN-related disorder. Also called: TTN-related condition; TTN-related disease; TTN-related disorders.
Dilated cardiomyopathy 1G (CMD1G). Identifiers: Orphanet 154, MedGen C1858763, MONDO:0011400, OMIM 604145.
Autosomal recessive limb-girdle muscular dystrophy type 2J (LGMDR10). Also called: MUSCULAR DYSTROPHY, LIMB-GIRDLE, AUTOSOMAL RECESSIVE 10; Limb-girdle muscular dystrophy, type 2J. Identifiers: Orphanet 140922, MedGen C1837342, MONDO:0012127, OMIM 608807.
Early-onset myopathy with fatal cardiomyopathy (CMYO5). Also called: CONGENITAL MYOPATHY 5 WITH CARDIOMYOPATHY; Salih Myopathy. Identifiers: Orphanet 289377, MedGen C2673677, MONDO:0012714, OMIM 611705. Disease mechanism: loss of function.
Myopathy, myofibrillar, 9, with early respiratory failure (MFM9). Also called: Myopathy, distal, with early respiratory failure, autosomal dominant; Hereditary myopathy with early respiratory failure; EDSTROM MYOPATHY; MYOPATHY, PROXIMAL, WITH EARLY RESPIRATORY MUSCLE INVOLVEMENT. Identifiers: Orphanet 178464, Orphanet 34521, MedGen C1863599, MONDO:0011362, OMIM 603689.
Tibial muscular dystrophy (TMD). Also called: Udd Distal Myopathy – Tibial Muscular Dystrophy; UDD MYOPATHY; Tibial muscular dystrophy, tardive. Identifiers: Orphanet 609, MedGen C1838244, MONDO:0010870, OMIM 600334.

Allele frequency attached by ClinVar (database versions not stated): ExAC 0.00002; gnomAD exomes 0.00002 and 0.00003; ESP Exome Variant Server 0.00008; gnomAD 0.00011 and 0.00014; TOPMed 0.00012.
gnomAD v4.1: 66 of 1,613,746 alleles (0.0041%); highest among the groups gnomAD compares: African/African-American, 0.055%; no homozygotes.

Submissions (8):

Labcorp Genetics (formerly Invitae), Labcorp
Classification: Likely benign for Dilated cardiomyopathy 1G; Autosomal recessive limb-girdle muscular dystrophy type 2J. Last evaluated: 2026-01-13. Review status: criteria provided, single submitter. Criteria: Invitae Variant Classification Sherloc (09022015). Collection method: clinical testing. Allele origin: germline.

Ambry Genetics
Classification: Likely benign for Cardiovascular phenotype. Last evaluated: 2018-12-24. Review status: criteria provided, single submitter. Criteria: Ambry Variant Classification Scheme 2023. Collection method: clinical testing. Allele origin: germline.

Illumina Laboratory Services, Illumina
Classification: Uncertain significance for Autosomal recessive limb-girdle muscular dystrophy type 2J. Last evaluated: 2018-01-13. Review status: criteria provided, single submitter. Criteria: ICSL Variant Classification Criteria 13 December 2019. Collection method: clinical testing. Allele origin: germline.

Illumina Laboratory Services, Illumina
Classification: Benign for Tibial muscular dystrophy. Last evaluated: 2018-01-13. Review status: criteria provided, single submitter. Criteria: ICSL Variant Classification Criteria 13 December 2019. Collection method: clinical testing. Allele origin: germline.
Comment: This variant was observed in the ICSL laboratory as part of a predisposition screen in an ostensibly healthy population. It had not been previously curated by ICSL or reported in the Human Gene Mutation Database (HGMD: prior to June 1st, 2018), and was therefore a candidate for classification through an automated scoring system. Utilizing variant allele frequency, disease prevalence and penetrance estimates, and inheritance mode, an automated score was calculated to assess if this variant is too frequent to cause the disease. Based on the score and internal cut-off values, a variant classified as benign is not then subjected to further curation. The score for this variant resulted in a classification of benign for this disease.

Illumina Laboratory Services, Illumina
Classification: Uncertain significance for Early-onset myopathy with fatal cardiomyopathy. Last evaluated: 2018-01-13. Review status: criteria provided, single submitter. Criteria: ICSL Variant Classification Criteria 13 December 2019. Collection method: clinical testing. Allele origin: germline.

Illumina Laboratory Services, Illumina
Classification: Benign for Myopathy, myofibrillar, 9, with early respiratory failure. Last evaluated: 2018-01-13. Review status: criteria provided, single submitter. Criteria: ICSL Variant Classification Criteria 13 December 2019. Collection method: clinical testing. Allele origin: germline.
Comment: the same text as in the submission from Illumina Laboratory Services, Illumina above.

Illumina Laboratory Services, Illumina
Classification: Uncertain significance for Dilated cardiomyopathy 1G. Last evaluated: 2018-01-13. Review status: criteria provided, single submitter. Criteria: ICSL Variant Classification Criteria 13 December 2019. Collection method: clinical testing. Allele origin: germline.

PreventionGenetics, part of Exact Sciences
Classification: Likely benign for TTN-related condition. Last evaluated: 2023-01-20. Review status: no assertion criteria provided. Collection method: clinical testing. Allele origin: germline. Not counted in ClinVar's aggregate classification.
Comment: This variant is classified as likely benign based on ACMG/AMP sequence variant interpretation guidelines (Richards et al. 2015 PMID: 25741868, with internal and published modifications).